The following is an entry in ClinVar:

ClinVar aggregate classification (germline): Uncertain significance (1 of 4 stars; one submission).

Conditions:
Mitochondrial hypertrophic cardiomyopathy with lactic acidosis due to MTO1 deficiency. Also called: CARDIOMYOPATHY, INFANTILE HYPERTROPHIC MITOCHONDRIAL, AND LACTIC ACIDOSIS; Combined oxidative phosphorylation deficiency 10. Identifiers: Orphanet 314637, MedGen C4749921, MONDO:0013865, OMIM 614702.

Allele frequency attached by ClinVar (database versions not stated): gnomAD 0.00003; TOPMed 0.00002.
gnomAD v4.1: 8 of 1,613,200 alleles (0.0005%); highest among the groups gnomAD compares: African/African-American, 0.0067%; no homozygotes.

Submission:

Labcorp Genetics (formerly Invitae), Labcorp
Classification: Uncertain significance for Mitochondrial hypertrophic cardiomyopathy with lactic acidosis due to MTO1 deficiency. Last evaluated: 2021-09-02. Review status: criteria provided, single submitter. Criteria: Invitae Variant Classification Sherloc (09022015). Collection method: clinical testing. Allele origin: germline.
Comment: This sequence change replaces proline with alanine at codon 326 of the MTO1 protein (p.Pro326Ala). The proline residue is moderately conserved and there is a small physicochemical difference between proline and alanine. This variant is not present in population databases (ExAC no frequency). This variant has not been reported in the literature in individuals affected with MTO1-related conditions. Algorithms developed to predict the effect of missense changes on protein structure and function are either unavailable or do not agree on the potential impact of this missense change (SIFT: "Tolerated"; PolyPhen-2: "Probably Damaging"; Align-GVGD: "Class C0"). In summary, the available evidence is currently insufficient to determine the role of this variant in disease. Therefore, it has been classified as a Variant of Uncertain Significance.

NM_012123.4(MTO1):c.976C>G (p.Pro326Ala)

Gene: MTO1 (mitochondrial tRNA translation optimization 1; plus strand). Cytogenetic location: 6q13.
Variant type: single nucleotide variant.
Coding change: c.976C>G on transcript NM_012123.4 (MANE Select); coding-DNA position 976, C replaced by G.
Protein change: p.Pro326Ala; replaces proline 326 with alanine.
Molecular consequence: missense variant.
Genome position (GRCh38, 1-based): chr6:73,479,973, C>G. VCF-style: chr6-73479973-C-G. GRCh37 (hg19) VCF-style: chr6-74189696-C-G.
Other names: c.976C>G, p.Pro326Ala (NM_001123226.2, NM_133645.3); short protein forms P326A.
Identifiers: ClinVar variation 1509003 (VCV001509003.5), dbSNP rs1012000476, ClinGen allele CA140961129.